The following is an entry in ClinVar:

NM_001134363.3(RBM20):c.3659del (p.Pro1220fs)

Gene: RBM20 (RNA binding motif protein 20; plus strand). Cytogenetic location: 10q25.2.
Variant type: Deletion.
Coding change: c.3659del on transcript NM_001134363.3 (MANE Select); coding-DNA position 3659, one base deleted (C; older notation c.3659delC).
Protein change: p.Pro1220fs; shifts the reading frame from proline 1220.
Molecular consequence: frameshift variant.
Genome position (GRCh38, 1-based): chr10:110,835,953, C deleted; the last of 2 consecutive C bases (chr10:110,835,952-110,835,953); deleting either gives the same sequence. VCF-style (leftmost placement, unchanged base first): chr10-110835951-GC-G. GRCh37 (hg19) VCF-style: chr10-112595709-GC-G.
Other names: short protein forms P1220fs.
Identifiers: ClinVar variation 1024572 (VCV001024572.6), dbSNP rs1485325927, ClinGen allele CA659842028.

ClinVar aggregate classification (germline): Uncertain significance (1 of 4 stars; one submission).

Conditions:
Dilated cardiomyopathy 1DD (CMD1DD). Identifiers: Orphanet 154, MedGen C2750995, MONDO:0013168, OMIM 613172.

Submission:

Labcorp Genetics (formerly Invitae), Labcorp
Classification: Uncertain significance for Dilated cardiomyopathy 1DD. Last evaluated: 2020-07-13. Review status: criteria provided, single submitter. Criteria: Invitae Variant Classification Sherloc (09022015). Collection method: clinical testing. Allele origin: germline.
Comment: In summary, the available evidence is currently insufficient to determine the role of this variant in disease. Therefore, it has been classified as a Variant of Uncertain Significance. This variant has not been reported in the literature in individuals with RBM20-related conditions. This variant is not present in population databases (ExAC no frequency). This sequence change results in a frameshift in the RBM20 gene (p.Pro1220Hisfs*28). While this is not anticipated to result in nonsense mediated decay, it is expected to disrupt the last 8 amino acids of the RBM20 protein and extend the protein by an additional 20 amino acids.